The following is an entry in ClinVar:

NM_005802.5(TOPORS):c.1367C>T (p.Ser456Phe)

Gene: TOPORS (TOP1 binding arginine/serine rich protein, E3 ubiquitin ligase; minus strand). Cytogenetic location: 9p21.1.
Variant type: single nucleotide variant.
Coding change: c.1367C>T on transcript NM_005802.5 (MANE Select); coding-DNA position 1367, C replaced by T.
Protein change: p.Ser456Phe; replaces serine 456 with phenylalanine.
Molecular consequence: missense variant.
Genome position (GRCh38, 1-based): chr9:32,543,158, G>A on the plus strand (C>T on the coding strand, the complement: TOPORS is on the minus strand). VCF-style: chr9-32543158-G-A. GRCh37 (hg19) VCF-style: chr9-32543156-G-A.
Other names: c.1172C>T, p.Ser391Phe (NM_001195622.2); short protein forms S456F, S391F.
Identifiers: ClinVar variation 1412235 (VCV001412235.9), dbSNP rs1454566664, ClinGen allele CA373170173.

ClinVar aggregate classification (germline): Uncertain significance. Review status: criteria provided, multiple submitters, no conflicts (2 of 4 stars). 2 submissions from 2 submitters: Uncertain significance (2). Last evaluated 2022-07-13.

Allele frequency attached by ClinVar (database versions not stated): gnomAD exomes below 0.00001; TOPMed 0.00001.
gnomAD v4.1: 2 of 1,613,982 alleles (0.00012%); highest among the groups gnomAD compares: Admixed American, 0.0017%; no homozygotes.

Submissions (2):

Labcorp Genetics (formerly Invitae), Labcorp
Classification: Uncertain significance. Last evaluated: 2022-07-13. Review status: criteria provided, single submitter. Criteria: Invitae Variant Classification Sherloc (09022015). Collection method: clinical testing. Allele origin: germline.
Comment: In summary, the available evidence is currently insufficient to determine the role of this variant in disease. Therefore, it has been classified as a Variant of Uncertain Significance. Algorithms developed to predict the effect of missense changes on protein structure and function are either unavailable or do not agree on the potential impact of this missense change (SIFT: "Tolerated"; PolyPhen-2: "Possibly Damaging"; Align-GVGD: "Class C0"). ClinVar contains an entry for this variant (Variation ID: 1412235). This sequence change replaces serine, which is neutral and polar, with phenylalanine, which is neutral and non-polar, at codon 456 of the TOPORS protein (p.Ser456Phe). This variant is present in population databases (no rsID available, gnomAD 0.006%). This variant has not been reported in the literature in individuals affected with TOPORS-related conditions.

Blueprint Genetics
Classification: Uncertain significance. Last evaluated: 2022-06-20. Review status: criteria provided, single submitter. Criteria: ACMG Guidelines, 2015. Collection method: clinical testing. Allele origin: germline.